The following is an entry in ClinVar:

NM_001955.5(EDN1):c.590G>C (p.Gly197Ala)

Gene: EDN1 (endothelin 1; plus strand). Cytogenetic location: 6p24.1.
Variant type: single nucleotide variant.
Coding change: c.590G>C on transcript NM_001955.5 (MANE Select); coding-DNA position 590, G replaced by C.
Protein change: p.Gly197Ala; replaces glycine 197 with alanine.
Molecular consequence: missense variant.
Genome position (GRCh38, 1-based): chr6:12,296,018, G>C. VCF-style: chr6-12296018-G-C. GRCh37 (hg19) VCF-style: chr6-12296251-G-C.
Other names: c.587G>C, p.Gly196Ala (NM_001168319.2); c.590G>C, p.Gly197Ala (NM_001416563.1, NM_001416564.1, NM_001416565.1); short protein forms G196A, G197A.
Identifiers: ClinVar variation 4797048 (VCV004797048.1).

ClinVar aggregate classification (germline): Uncertain significance (1 of 4 stars; one submission).

gnomAD v4.1: 822 of 1,614,048 alleles (0.051%); highest among the groups gnomAD compares: Non-Finnish European, 0.064%; 1 homozygote.

Submission:

Labcorp Genetics (formerly Invitae), Labcorp
Classification: Uncertain significance. Last evaluated: 2026-02-02. Review status: criteria provided, single submitter. Criteria: Invitae Variant Classification Sherloc (09022015). Collection method: clinical testing. Allele origin: germline.
Comment: This sequence change replaces glycine, which is neutral and non-polar, with alanine, which is neutral and non-polar, at codon 197 of the EDN1 protein (p.Gly197Ala). This variant is present in population databases (rs146590760, gnomAD 0.06%). This variant has not been reported in the literature in individuals affected with EDN1-related conditions. An algorithm developed to predict the effect of missense changes on protein structure and function outputs the following: PolyPhen-2: "Benign". The alanine amino acid residue is found in multiple mammalian species, which suggests that this missense change does not adversely affect protein function. In summary, the available evidence is currently insufficient to determine the role of this variant in disease. Therefore, it has been classified as a Variant of Uncertain Significance.